The following is an entry in ClinVar:

NM_177438.3(DICER1):c.4151G>T (p.Gly1384Val)

Gene: DICER1 (dicer 1, ribonuclease III; minus strand). Cytogenetic location: 14q32.13.
Variant type: single nucleotide variant.
Coding change: c.4151G>T on transcript NM_177438.3 (MANE Select); coding-DNA position 4151, G replaced by T.
Protein change: p.Gly1384Val; replaces glycine 1384 with valine.
Molecular consequence: missense variant.
Genome position (GRCh38, 1-based): chr14:95,099,835, C>A on the plus strand (G>T on the coding strand, the complement: DICER1 is on the minus strand). VCF-style: chr14-95099835-C-A. GRCh37 (hg19) VCF-style: chr14-95566172-C-A.
Other names: c.4151G>T, p.Gly1384Val (NM_001195573.1, NM_001271282.3, NM_001291628.2 and 1 more transcripts); short protein forms G1384V.
Identifiers: ClinVar variation 412196 (VCV000412196.14), dbSNP rs1060503664, ClinGen allele CA16614506.
Genomic context (GRCh38, chr14:95,099,835, plus strand): 5'-CTTACCATTTCATCTTTTTCCCATTTATCTGTGTTGCTTTTGTCTTGATTTACTACATAA[C>A]CAGGAGGAAGCCAATTCACAGGGGGATCAAATATTGACACCACCATGCGGCTGGGTAGTC-3'
Protein context (NP_803187.1, residues 1374-1394): FDPPVNWLPP[Gly1384Val]YVVNQDKSNT

ClinVar aggregate classification (germline): Uncertain significance. Review status: criteria provided, multiple submitters, no conflicts (2 of 4 stars). 3 submissions from 3 submitters: Uncertain significance (3). Last evaluated 2025-03-12.

Conditions:
DICER1-related tumor predisposition. Also called: DICER1-related pleuropulmonary blastoma cancer predisposition syndrome; DICER1 syndrome. Identifiers: Orphanet 284343, MedGen C3839822, MONDO:0100216.
Rhabdomyosarcoma, embryonal, 2 (RMSE2). Identifiers: MedGen C1867234, MONDO:0859046, OMIM 180295.
Euthyroid goiter (MNG1). Also called: Goiter, multinodular 1, with or without Sertoli-Leydig cell tumors; GOITER, NONTOXIC, WITH INTRATHYROIDAL CALCIFICATION; MULTINODULAR GOITER, ADOLESCENT; SIMPLE GOITER. Identifiers: Orphanet 276399, MedGen C0302859, MONDO:0007681, OMIM 138800, HP:0009798.
Pleuropulmonary blastoma (PPB). Identifiers: Orphanet 64742, MedGen C1266144, MONDO:0011014, OMIM 601200, HP:0100528.
Global developmental delay - lung cysts - overgrowth - Wilms tumor syndrome. Also called: GLOW Syndrome; GLOBAL DEVELOPMENTAL DELAY, LUNG CYSTS, OVERGROWTH, AND WILMS TUMOR. Identifiers: Orphanet 404476, MedGen C4748924, MONDO:0018445, OMIM 618272.
Hereditary cancer-predisposing syndrome. Also called: Hereditary neoplastic syndrome; Neoplastic Syndromes, Hereditary; Tumor predisposition; Hereditary Cancer Syndrome. Identifiers: Orphanet 140162, MedGen C0027672, MeSH D009386, MONDO:0015356.

Submissions (3):

Ambry Genetics
Classification: Uncertain significance for Hereditary cancer-predisposing syndrome. Last evaluated: 2025-03-12. Review status: criteria provided, single submitter. Criteria: Ambry Variant Classification Scheme 2023. Collection method: clinical testing. Allele origin: germline.
Comment: The p.G1384V variant (also known as c.4151G>T), located in coding exon 21 of the DICER1 gene, results from a G to T substitution at nucleotide position 4151. The glycine at codon 1384 is replaced by valine, an amino acid with dissimilar properties. This amino acid position is conserved. In addition, this alteration is predicted to be deleterious by in silico analysis. Since supporting evidence is limited at this time, the clinical significance of this alteration remains unclear.

Fulgent Genetics
Classification: Uncertain significance for Euthyroid goiter; Rhabdomyosarcoma, embryonal, 2; Pleuropulmonary blastoma; Global developmental delay - lung cysts - overgrowth - Wilms tumor syndrome. Last evaluated: 2024-03-17. Review status: criteria provided, single submitter. Criteria: ACMG Guidelines, 2015. Collection method: clinical testing. Allele origin: germline.

Labcorp Genetics (formerly Invitae), Labcorp
Classification: Uncertain significance for DICER1-related tumor predisposition. Last evaluated: 2022-03-05. Review status: criteria provided, single submitter. Criteria: Invitae Variant Classification Sherloc (09022015). Collection method: clinical testing. Allele origin: germline.
Comment: In summary, the available evidence is currently insufficient to determine the role of this variant in disease. Therefore, it has been classified as a Variant of Uncertain Significance. Algorithms developed to predict the effect of missense changes on protein structure and function are either unavailable or do not agree on the potential impact of this missense change (SIFT: "Tolerated"; PolyPhen-2: "Probably Damaging"; Align-GVGD: "Class C0"). ClinVar contains an entry for this variant (Variation ID: 412196). This variant has not been reported in the literature in individuals affected with DICER1-related conditions. This variant is not present in population databases (gnomAD no frequency). This sequence change replaces glycine, which is neutral and non-polar, with valine, which is neutral and non-polar, at codon 1384 of the DICER1 protein (p.Gly1384Val).